The following is an entry in ClinVar:

ClinVar aggregate classification (germline): Pathogenic/Likely pathogenic. Review status: criteria provided, multiple submitters, no conflicts (2 of 4 stars). 2 submissions from 2 submitters: Pathogenic (1); Likely pathogenic (1). Last evaluated 2025-12-01.

Conditions:
Polycystic kidney disease 4 (PKD4). Also called: POLYCYSTIC KIDNEY AND HEPATIC DISEASE 1; POLYCYSTIC KIDNEY DISEASE, INFANTILE, TYPE I; PKD3; POLYCYSTIC KIDNEY DISEASE 4 WITH OR WITHOUT POLYCYSTIC LIVER DISEASE; Autosomal Recessive Polycystic Kidney Disease – PKHD1. Identifiers: MedGen C4540575, MONDO:0033004, OMIM 263200.
Autosomal recessive polycystic kidney disease (ARPKD). Also called: AR polycystic kidney disease. Identifiers: Orphanet 731, Orphanet 8378, MedGen C0085548, MeSH D017044, MONDO:0009889.

Allele frequency attached by ClinVar (database versions not stated): TOPMed below 0.00001.
gnomAD v4.1: 1 of 1,613,410 alleles (0.000062%); highest among the groups gnomAD compares: Non-Finnish European, 0.000085%; no homozygotes.

Submissions (2):

Natera, Inc.
Classification: Likely pathogenic for Autosomal recessive polycystic kidney disease. Last evaluated: 2025-12-01. Review status: criteria provided, single submitter. Criteria: Natera Variant Classification Schema (03/2026). Collection method: clinical testing. Allele origin: germline.
Comment: The c.7060C>T variant in PKHD1 is a nonsense variant predicted to introduce a stop codon at amino acid 2354. This variant is expected to result in nonsense mediated decay, truncation, or a dysfunctional protein product. This variant is rare in the general population with a frequency below the threshold expected for the associated phenotype(s). Given the available evidence, this variant is classified as Likely Pathogenic.

Baylor Genetics
Classification: Pathogenic for Polycystic kidney disease 4. Last evaluated: 2023-06-19. Review status: criteria provided, single submitter. Criteria: ACMG Guidelines, 2015. Collection method: clinical testing. Allele origin: unknown.

NM_138694.4(PKHD1):c.7060C>T (p.Gln2354Ter)

Gene: PKHD1 (PKHD1 ciliary IPT domain containing fibrocystin/polyductin; minus strand). Cytogenetic location: 6p12.2.
Variant type: single nucleotide variant.
Coding change: c.7060C>T on transcript NM_138694.4 (MANE Select); coding-DNA position 7060, C replaced by T.
Protein change: p.Gln2354Ter; replaces glutamine 2354 with a stop codon.
Molecular consequence: nonsense.
Genome position (GRCh38, 1-based): chr6:51,887,182, G>A on the plus strand (C>T on the coding strand, the complement: PKHD1 is on the minus strand). VCF-style: chr6-51887182-G-A. GRCh37 (hg19) VCF-style: chr6-51751980-G-A.
Other names: c.7060C>T, p.Gln2354Ter (NM_170724.3); c.7060C>T (NM_138694.3); short protein forms Q2354*.
Identifiers: ClinVar variation 2677802 (VCV002677802.2), dbSNP rs1647940325, ClinGen allele CA364424331.